The following is an entry in ClinVar:

ClinVar aggregate classification (germline): Uncertain significance (1 of 4 stars; one submission).

Allele frequency attached by ClinVar (database versions not stated): gnomAD exomes below 0.00001; gnomAD 0.00001; TOPMed 0.00001; ExAC 0.00011; 1000 Genomes Project 30x 0.00016.

Submission:

Labcorp Genetics (formerly Invitae), Labcorp
Classification: Uncertain significance. Last evaluated: 2024-10-24. Review status: criteria provided, single submitter. Criteria: Invitae Variant Classification Sherloc (09022015). Collection method: clinical testing. Allele origin: germline.
Comment: This sequence change replaces glycine, which is neutral and non-polar, with arginine, which is basic and polar, at codon 630 of the KCNC3 protein (p.Gly630Arg). The frequency data for this variant in the population databases is considered unreliable, as metrics indicate poor data quality at this position in the gnomAD database. This variant has not been reported in the literature in individuals affected with KCNC3-related conditions. ClinVar contains an entry for this variant (Variation ID: 1955042). Invitae Evidence Modeling of protein sequence and biophysical properties (such as structural, functional, and spatial information, amino acid conservation, physicochemical variation, residue mobility, and thermodynamic stability) indicates that this missense variant is not expected to disrupt KCNC3 protein function with a negative predictive value of 95%. In summary, the available evidence is currently insufficient to determine the role of this variant in disease. Therefore, it has been classified as a Variant of Uncertain Significance.

NM_004977.3(KCNC3):c.1888G>A (p.Gly630Arg)

Gene: KCNC3 (potassium voltage-gated channel subfamily C member 3; minus strand). Cytogenetic location: 19q13.33.
Variant type: single nucleotide variant.
Coding change: c.1888G>A on transcript NM_004977.3 (MANE Select); coding-DNA position 1888, G replaced by A.
Protein change: p.Gly630Arg; replaces glycine 630 with arginine.
Molecular consequence: missense variant.
Genome position (GRCh38, 1-based): chr19:50,323,065, C>T on the plus strand (G>A on the coding strand, the complement: KCNC3 is on the minus strand). VCF-style: chr19-50323065-C-T. GRCh37 (hg19) VCF-style: chr19-50826322-C-T.
Other names: c.1660G>A, p.Gly554Arg (NM_001372305.1); short protein forms G554R, G630R.
Identifiers: ClinVar variation 1955042 (VCV001955042.5), dbSNP rs748454552, ClinGen allele CA9594159.